The following is an entry in ClinVar:

NM_014251.3(SLC25A13):c.1733T>C (p.Leu578Pro)

Gene: SLC25A13 (solute carrier family 25 member 13; minus strand). Cytogenetic location: 7q21.3.
Variant type: single nucleotide variant.
Coding change: c.1733T>C on transcript NM_014251.3 (MANE Select); coding-DNA position 1733, T replaced by C.
Protein change: p.Leu578Pro; replaces leucine 578 with proline.
Molecular consequence: missense variant. On other transcripts: non-coding transcript variant (1).
Genome position (GRCh38, 1-based): chr7:96,121,856, A>G on the plus strand (T>C on the coding strand, the complement: SLC25A13 is on the minus strand). VCF-style: chr7-96121856-A-G. GRCh37 (hg19) VCF-style: chr7-95751168-A-G.
Other names: c.1736T>C, p.Leu579Pro (NM_001160210.2); short protein forms L578P, L579P.
Identifiers: ClinVar variation 3344684 (VCV003344684.1).
Genomic context (GRCh38, chr7:96,121,856, plus strand): 5'-ACCTGATACCAAAGAGTTAGTTAAGAACACATTATTTCCATACCACCAGCTCCCTTCCAC[A>G]GAGCTTTTGGTCCTTCTTCACGCAGTATCTTTCTAAAGCAGTCTATCACTCCGCTGTAAG-3'
Protein context (NP_055066.1, residues 568-588): KILREEGPKA[Leu578Pro]WKGAGARVFR

ClinVar aggregate classification (germline): Uncertain significance (0 of 4 stars; one submission).

Conditions:
SLC25A13-related disorder. Also called: SLC25A13-related condition.

gnomAD v4.1: 4 of 1,614,110 alleles (0.00025%); highest among the groups gnomAD compares: South Asian, 0.0022%; no homozygotes.

Submission:

PreventionGenetics, part of Exact Sciences
Classification: Uncertain significance for SLC25A13-related condition. Last evaluated: 2024-07-11. Review status: no assertion criteria provided. Collection method: clinical testing. Allele origin: germline.
Comment: The SLC25A13 c.1733T>C variant is predicted to result in the amino acid substitution p.Leu578Pro. To our knowledge, this variant has not been reported in the literature or in a large population database, indicating this variant is rare. At this time, the clinical significance of this variant is uncertain due to the absence of conclusive functional and genetic evidence.